The following is an entry in ClinVar:

ClinVar aggregate classification (germline): Uncertain significance. Review status: criteria provided, multiple submitters, no conflicts (2 of 4 stars). 2 submissions from 2 submitters: Uncertain significance (2). Last evaluated 2025-02-23.

Conditions:
Inborn genetic diseases. Identifiers: MedGen C0950123, MeSH D030342.
Dyskeratosis congenita, autosomal recessive 6 (DKCB6). Identifiers: MedGen C4225356, MONDO:0014600, OMIM 616353.
Pulmonary fibrosis and/or bone marrow failure, Telomere-related, 4. Also called: PULMONARY FIBROSIS AND/OR BONE MARROW FAILURE SYNDROME, TELOMERE-RELATED, 4. Identifiers: Orphanet 2032, MedGen C4225347, MONDO:0014612, OMIM 616371.

Allele frequency attached by ClinVar (database versions not stated): gnomAD 0.00001; ExAC 0.00002; gnomAD exomes 0.00001; TOPMed 0.00001.
gnomAD v4.1: 12 of 1,601,288 alleles (0.00075%); highest among the groups gnomAD compares: Admixed American, 0.012%; no homozygotes.

Submissions (2):

Labcorp Genetics (formerly Invitae), Labcorp
Classification: Uncertain significance for Dyskeratosis congenita, autosomal recessive 6; Pulmonary fibrosis and/or bone marrow failure, Telomere-related, 4. Last evaluated: 2025-02-23. Review status: criteria provided, single submitter. Criteria: Invitae Variant Classification Sherloc (09022015). Collection method: clinical testing. Allele origin: germline.
Comment: This sequence change replaces arginine, which is basic and polar, with histidine, which is basic and polar, at codon 249 of the PARN protein (p.Arg249His). The frequency data for this variant in the population databases is considered unreliable, as metrics indicate poor data quality at this position in the gnomAD database. This variant has not been reported in the literature in individuals affected with PARN-related conditions. ClinVar contains an entry for this variant (Variation ID: 1421811). Invitae Evidence Modeling of protein sequence and biophysical properties (such as structural, functional, and spatial information, amino acid conservation, physicochemical variation, residue mobility, and thermodynamic stability) indicates that this missense variant is not expected to disrupt PARN protein function with a negative predictive value of 80%. In summary, the available evidence is currently insufficient to determine the role of this variant in disease. Therefore, it has been classified as a Variant of Uncertain Significance.

Ambry Genetics
Classification: Uncertain significance for Inborn genetic diseases. Last evaluated: 2024-08-07. Review status: criteria provided, single submitter. Criteria: Ambry Variant Classification Scheme 2023. Collection method: clinical testing. Allele origin: germline.

NM_002582.4(PARN):c.746G>A (p.Arg249His)

Gene: PARN (poly(A)-specific ribonuclease; minus strand). Cytogenetic location: 16p13.12.
Variant type: single nucleotide variant.
Coding change: c.746G>A on transcript NM_002582.4 (MANE Select); coding-DNA position 746, G replaced by A.
Protein change: p.Arg249His; replaces arginine 249 with histidine.
Molecular consequence: missense variant.
Genome position (GRCh38, 1-based): chr16:14,604,183, C>T on the plus strand (G>A on the coding strand, the complement: PARN is on the minus strand). VCF-style: chr16-14604183-C-T. GRCh37 (hg19) VCF-style: chr16-14698040-C-T.
Other names: c.563G>A, p.Arg188His (NM_001134477.3); c.608G>A, p.Arg203His (NM_001242992.2); c.746G>A (NM_002582.3); short protein forms R188H, R249H, R203H.
Identifiers: ClinVar variation 1421811 (VCV001421811.9), dbSNP rs775658912, ClinGen allele CA7912306.
Genomic context (GRCh38, chr16:14,604,183, plus strand): 5'-AAGAATTAACATAGCCCAATTACCTGTTCTTTGGCATGTTTCTGCTGCTCTCTTCTTTTG[C>T]GTTCTTCTTCATCTACTTTGCTGATAACTATATATCGCTCCTTCTAAAAGACATAAAGCA-3'
Protein context (NP_002573.1, residues 239-259): IVISKVDEEE[Arg249His]KRREQQKHAK